The following is an entry in ClinVar:

NM_001354930.2(RIPK1):c.248T>C (p.Ile83Thr)

Gene: RIPK1 (receptor interacting serine/threonine kinase 1; plus strand). Cytogenetic location: 6p25.2.
Variant type: single nucleotide variant.
Coding change: c.248T>C on transcript NM_001354930.2 (MANE Select); coding-DNA position 248, T replaced by C.
Protein change: p.Ile83Thr; replaces isoleucine 83 with threonine.
Molecular consequence: missense variant. On other transcripts: 5 prime UTR variant (4).
Genome position (GRCh38, 1-based): chr6:3,077,862, T>C. VCF-style: chr6-3077862-T-C. GRCh37 (hg19) VCF-style: chr6-3078096-T-C.
Other names: c.-356T>C (NM_001317061.3, NM_001354932.2, NM_001354933.2 and 1 more transcripts); c.248T>C, p.Ile83Thr (NM_001354931.2, NM_003804.6); short protein forms I83T.
Identifiers: ClinVar variation 3682176 (VCV003682176.2).

ClinVar aggregate classification (germline): Uncertain significance (1 of 4 stars; one submission).

Submission:

Labcorp Genetics (formerly Invitae), Labcorp
Classification: Uncertain significance. Last evaluated: 2024-02-24. Review status: criteria provided, single submitter. Criteria: Invitae Variant Classification Sherloc (09022015). Collection method: clinical testing. Allele origin: germline.
Comment: This sequence change replaces isoleucine, which is neutral and non-polar, with threonine, which is neutral and polar, at codon 83 of the RIPK1 protein (p.Ile83Thr). This variant is not present in population databases (gnomAD no frequency). This variant has not been reported in the literature in individuals affected with RIPK1-related conditions. An algorithm developed to predict the effect of missense changes on protein structure and function (PolyPhen-2) suggests that this variant is likely to be disruptive. In summary, the available evidence is currently insufficient to determine the role of this variant in disease. Therefore, it has been classified as a Variant of Uncertain Significance.